The following is an entry in ClinVar:

ClinVar aggregate classification (germline): Uncertain significance. Review status: criteria provided, multiple submitters, no conflicts (2 of 4 stars). 2 submissions from 2 submitters: Uncertain significance (2). Last evaluated 2021-02-15.

Submissions (2):

Labcorp Genetics (formerly Invitae), Labcorp
Classification: Uncertain significance. Last evaluated: 2021-02-15. Review status: criteria provided, single submitter. Criteria: Invitae Variant Classification Sherloc (09022015). Collection method: clinical testing. Allele origin: germline.
Comment: In summary, the available evidence is currently insufficient to determine the role of this variant in disease. Therefore, it has been classified as a Variant of Uncertain Significance. Algorithms developed to predict the effect of missense changes on protein structure and function are either unavailable or do not agree on the potential impact of this missense change (SIFT: "Deleterious"; PolyPhen-2: "Possibly Damaging"; Align-GVGD: "Class C0"). This variant has not been reported in the literature in individuals with DTHD1-related conditions. This variant is not present in population databases (ExAC no frequency). This sequence change replaces alanine with aspartic acid at codon 521 of the DTHD1 protein (p.Ala521Asp). The alanine residue is highly conserved and there is a moderate physicochemical difference between alanine and aspartic acid.

Breakthrough Genomics
Classification: Uncertain significance. Review status: criteria provided, single submitter. Criteria: ACMG Guidelines, 2015. Collection method: not provided. Allele origin: germline. Inheritance: Unknown mechanism. Affected: yes.

NM_001170700.3(DTHD1):c.2432C>A (p.Ala811Asp)

Gene: DTHD1 (death domain containing 1; plus strand). Cytogenetic location: 4p14.
Variant type: single nucleotide variant.
Coding change: c.2432C>A on transcript NM_001170700.3 (MANE Select); coding-DNA position 2432, C replaced by A.
Protein change: p.Ala811Asp; replaces alanine 811 with aspartic acid.
Molecular consequence: missense variant. On other transcripts: non-coding transcript variant (2).
Genome position (GRCh38, 1-based): chr4:36,343,535, C>A. VCF-style: chr4-36343535-C-A. GRCh37 (hg19) VCF-style: chr4-36345157-C-A.
Other names: c.1562C>A, p.Ala521Asp (NM_001136536.5); c.1441C>A, p.Leu481Met (NM_001378435.1); short protein forms A811D, A521D, L481M.
Identifiers: ClinVar variation 1409410 (VCV001409410.9), dbSNP rs2109587762, ClinGen allele CA356682084.